The following is an entry in ClinVar:

NM_004415.4(DSP):c.8053G>T (p.Ala2685Ser)

Gene: DSP (desmoplakin; plus strand). Cytogenetic location: 6p24.3.
Variant type: single nucleotide variant.
Coding change: c.8053G>T on transcript NM_004415.4 (MANE Select); coding-DNA position 8053, G replaced by T.
Protein change: p.Ala2685Ser; replaces alanine 2685 with serine.
Molecular consequence: missense variant.
Genome position (GRCh38, 1-based): chr6:7,585,315, G>T. VCF-style: chr6-7585315-G-T. GRCh37 (hg19) VCF-style: chr6-7585548-G-T.
Other names: c.6256G>T, p.Ala2086Ser (NM_001008844.3); c.6724G>T, p.Ala2242Ser (NM_001319034.2); short protein forms A2242S, A2685S, A2086S.
Identifiers: ClinVar variation 936345 (VCV000936345.12), dbSNP rs760754021, ClinGen allele CA051467.

ClinVar aggregate classification (germline): Conflicting classifications of pathogenicity. Review status: criteria provided, conflicting classifications (1 of 4 stars). 5 submissions from 5 submitters: Uncertain significance (4); Likely benign (1). Last evaluated 2026-04-01.

Conditions:
Arrhythmogenic cardiomyopathy with wooly hair and keratoderma. Also called: Arrhythmogenic cardiomyopathy with woolly hair and keratoderma; Carvajal syndrome; PALMOPLANTAR KERATODERMA WITH LEFT VENTRICULAR CARDIOMYOPATHY AND WOOLLY HAIR; Dilated cardiomyopathy with woolly hair and keratoderma. Identifiers: Orphanet 65282, MedGen C1854063, MONDO:0011581, OMIM 605676.
Arrhythmogenic right ventricular dysplasia 8 (ARVD8). Also called: Arrhythmogenic Right Ventricular Dysplasia/Cardiomyopathy 8; ARRHYTHMOGENIC RIGHT VENTRICULAR DYSPLASIA, FAMILIAL, 8; ARRHYTHMOGENIC RIGHT VENTRICULAR CARDIOMYOPATHY 8. Identifiers: MedGen C1843896, MONDO:0011831, OMIM 607450.
Cardiomyopathy (CMYO). Also called: Cardiomyopathies. Identifiers: Orphanet 167848, MedGen C0878544, MONDO:0004994, HP:0001638. Inheritance: Various modes of inheritance.

Allele frequency attached by ClinVar (database versions not stated): ExAC 0.00001; gnomAD 0.00001; TOPMed 0.00001; gnomAD exomes 0.00002.
gnomAD v4.1: 7 of 1,614,038 alleles (0.00043%); highest among the groups gnomAD compares: Admixed American, 0.012%; no homozygotes.

Submissions (5):

CeGaT Center for Human Genetics Tuebingen
Classification: Uncertain significance. Last evaluated: 2026-04-01. Review status: criteria provided, single submitter. Criteria: CeGaT Center For Human Genetics Tuebingen Variant Classification Criteria Version 2. Collection method: clinical testing. Allele origin: germline. Affected: yes. Observed: 1 variant allele.
Comment: DSP: PM2, BP4

Labcorp Genetics (formerly Invitae), Labcorp
Classification: Likely benign for Arrhythmogenic cardiomyopathy with wooly hair and keratoderma; Arrhythmogenic right ventricular dysplasia 8. Last evaluated: 2024-02-25. Review status: criteria provided, single submitter. Criteria: Invitae Variant Classification Sherloc (09022015). Collection method: clinical testing. Allele origin: germline.

All of Us Research Program, National Institutes of Health
Classification: Uncertain significance for Arrhythmogenic cardiomyopathy with wooly hair and keratoderma. Last evaluated: 2024-02-05. Review status: criteria provided, single submitter. Criteria: ACMG Guidelines, 2015. Collection method: clinical testing. Allele origin: germline. Inheritance: Autosomal dominant inheritance. Observed: 6 variant alleles, 6 heterozygotes.
Comment: This missense variant replaces alanine with serine at codon 2685 of the DSP protein. Computational prediction suggests that this variant may not impact protein structure and function (internally defined REVEL score threshold <= 0.5, PMID: 27666373). To our knowledge, functional studies have not been reported for this variant. This variant has not been reported in individuals affected with DSP-related disorders in the literature. This variant has been identified in 6/251212 chromosomes in the general population by the Genome Aggregation Database (gnomAD). The available evidence is insufficient to determine the role of this variant in disease conclusively. Therefore, this variant is classified as a Variant of Uncertain Significance.

This study involves interpretation of variants in research participants for the purpose of population health screening. Participant phenotype was not available at the time of variant classification. Additional details can be found in publication PMID: 35346344, PMCID: PMC8962531

Color Diagnostics, LLC DBA Color Health
Classification: Uncertain significance for Cardiomyopathy. Last evaluated: 2023-11-08. Review status: criteria provided, single submitter. Criteria: ACMG Guidelines, 2015. Collection method: clinical testing. Allele origin: germline.
Comment: This missense variant replaces alanine with serine at codon 2685 of the DSP protein. Computational prediction suggests that this variant may not impact protein structure and function. To our knowledge, functional studies have not been reported for this variant. This variant has not been reported in individuals affected with DSP-related disorders in the literature. This variant has been identified in 6/251212 chromosomes in the general population by the Genome Aggregation Database (gnomAD). The available evidence is insufficient to determine the role of this variant in disease conclusively. Therefore, this variant is classified as a Variant of Uncertain Significance.

GeneDx
Classification: Uncertain significance. Last evaluated: 2020-01-23. Review status: criteria provided, single submitter. Criteria: GeneDx Variant Classification Process June 2021. Collection method: clinical testing. Allele origin: germline. Affected: yes.
Comment: Has not been previously published as pathogenic or benign to our knowledge; In silico analysis, which includes protein predictors and evolutionary conservation, supports that this variant does not alter protein structure/function